The following is an entry in ClinVar:

ClinVar aggregate classification (germline): Uncertain significance (1 of 4 stars; one submission).

Allele frequency attached by ClinVar (database versions not stated): ExAC 0.00001; gnomAD exomes 0.00001 and 0.00002; gnomAD 0.00002; TOPMed 0.00002.
gnomAD v4.1: 29 of 1,612,806 alleles (0.0018%); highest among the groups gnomAD compares: African/African-American, 0.0053%; no homozygotes.

Submission:

Labcorp Genetics (formerly Invitae), Labcorp
Classification: Uncertain significance. Last evaluated: 2022-02-08. Review status: criteria provided, single submitter. Criteria: Invitae Variant Classification Sherloc (09022015). Collection method: clinical testing. Allele origin: germline.
Comment: Algorithms developed to predict the effect of sequence changes on RNA splicing suggest that this variant may create or strengthen a splice site. In summary, the available evidence is currently insufficient to determine the role of this variant in disease. Therefore, it has been classified as a Variant of Uncertain Significance. This variant has not been reported in the literature in individuals affected with ABCC6-related conditions. This variant is present in population databases (rs755951076, gnomAD 0.002%). This sequence change falls in intron 29 of the ABCC6 gene. It does not directly change the encoded amino acid sequence of the ABCC6 protein.

NM_001171.6(ABCC6):c.4209-11A>G

Gene: ABCC6 (ATP binding cassette subfamily C member 6; minus strand). Cytogenetic location: 16p13.11.
Variant type: single nucleotide variant.
Coding change: c.4209-11A>G on transcript NM_001171.6 (MANE Select); 11 bases into the intron before coding-DNA position 4209, A replaced by G.
Molecular consequence: intron variant.
Genome position (GRCh38, 1-based): chr16:16,150,783, T>C on the plus strand (A>G on the coding strand, the complement: ABCC6 is on the minus strand). VCF-style: chr16-16150783-T-C. GRCh37 (hg19) VCF-style: chr16-16244640-T-C.
Other names: c.3867-11A>G (NM_001351800.1).
Identifiers: ClinVar variation 1425783 (VCV001425783.7), dbSNP rs755951076, ClinGen allele CA7925258.